The following is an entry in ClinVar:

ClinVar aggregate classification (germline): Uncertain significance (1 of 4 stars; one submission).

Allele frequency attached by ClinVar (database versions not stated): TOPMed 0.00013; gnomAD 0.00015; ExAC 0.00020; gnomAD exomes 0.00022; ESP Exome Variant Server 0.00031; 1000 Genomes Project 0.00040; 1000 Genomes Project 30x 0.00109.
gnomAD v4.1: 337 of 1,577,868 alleles (0.021%); highest among the groups gnomAD compares: Admixed American, 0.028%; no homozygotes.

Submissions (2):

Labcorp Genetics (formerly Invitae), Labcorp
Classification: Uncertain significance. Last evaluated: 2025-10-13. Review status: criteria provided, single submitter. Criteria: Invitae Variant Classification Sherloc (09022015). Collection method: clinical testing. Allele origin: germline.
Comment: This sequence change falls in intron 5 of the PCK2 gene. It does not directly change the encoded amino acid sequence of the PCK2 protein. This variant is present in population databases (rs45477394, gnomAD 0.06%). This variant has not been reported in the literature in individuals affected with PCK2-related conditions. ClinVar contains an entry for this variant (Variation ID: 2722813). Algorithms developed to predict the effect of sequence changes on RNA splicing suggest that this variant may disrupt the consensus splice site. In summary, the available evidence is currently insufficient to determine the role of this variant in disease. Therefore, it has been classified as a Variant of Uncertain Significance.

Dr. Peter K. Rogan Lab, Western University
No classification provided (evidence only). Condition: Familial cancer of breast. Review status: no classification provided. Collection method: in vitro. Allele origin: not applicable. Functional consequence: retained intron. Not counted in ClinVar's aggregate classification.

NM_004563.4(PCK2):c.853-8A>G

Genes: NRL (neural retina leucine zipper; minus strand), PCK2 (phosphoenolpyruvate carboxykinase 2, mitochondrial; plus strand). Cytogenetic location: 14q11.2.
Variant type: single nucleotide variant.
Coding change: c.853-8A>G on transcript NM_004563.4 (MANE Select); 8 bases into the intron before coding-DNA position 853, A replaced by G.
Molecular consequence: intron variant.
Genome position (GRCh38, 1-based): chr14:24,099,550, A>G. VCF-style: chr14-24099550-A-G. GRCh37 (hg19) VCF-style: chr14-24568759-A-G.
Other names: c.-28+15172T>C (NM_001354770.2, NM_001354768.3); c.-253-14805T>C (NM_006177.5); c.451-8A>G (NM_001308054.2, NM_001291556.2); c.853-8A>G (NM_001018073.3).
Identifiers: ClinVar variation 2722813 (VCV002722813.4), dbSNP rs45477394, ClinGen allele CA7123273.